The following is an entry in ClinVar:

NM_001165963.4(SCN1A):c.2360T>C (p.Met787Thr)

Gene: SCN1A (sodium voltage-gated channel alpha subunit 1; minus strand). Cytogenetic location: 2q24.3.
Variant type: single nucleotide variant.
Coding change: c.2360T>C on transcript NM_001165963.4 (MANE Select); coding-DNA position 2360, T replaced by C.
Protein change: p.Met787Thr; replaces methionine 787 with threonine.
Molecular consequence: missense variant. On other transcripts: 5 prime UTR variant (1), non-coding transcript variant (1).
Genome position (GRCh38, 1-based): chr2:166,041,286, A>G on the plus strand (T>C on the coding strand, the complement: SCN1A is on the minus strand). VCF-style: chr2-166041286-A-G. GRCh37 (hg19) VCF-style: chr2-166897796-A-G.
Other names: c.2276T>C, p.Met759Thr (NM_001165964.3, NM_001353957.2, NM_001353958.2); c.2360T>C, p.Met787Thr (NM_001202435.3, NM_001353948.2); c.2327T>C, p.Met776Thr (NM_001353949.2, NM_001353950.2, NM_001353951.2 and 2 more transcripts); c.2324T>C, p.Met775Thr (NM_001353954.2, NM_001353955.2); c.2273T>C, p.Met758Thr (NM_001353960.2); c.-99T>C (NM_001353961.2); short protein forms M776T, M787T, M758T, M775T, M759T.
Identifiers: ClinVar variation 450127 (VCV000450127.45), dbSNP rs773695263, ClinGen allele CA1943131.

ClinVar aggregate classification (germline): Conflicting classifications of pathogenicity. Review status: criteria provided, conflicting classifications (1 of 4 stars). 2 submissions from 2 submitters: Likely pathogenic (1); Uncertain significance (1). Last evaluated 2024-02-24.

Allele frequency attached by ClinVar (database versions not stated): gnomAD exomes below 0.00001; ExAC 0.00001.
gnomAD v4.1: 1 of 1,614,066 alleles (0.000062%); highest among the groups gnomAD compares: Non-Finnish European, 0.000085%; no homozygotes.

Submissions (2):

GeneDx
Classification: Likely pathogenic. Last evaluated: 2024-02-24. Review status: criteria provided, single submitter. Criteria: GeneDx Variant Classification Process June 2021. Collection method: clinical testing. Allele origin: germline. Affected: yes.
Comment: Has not been previously published as pathogenic or benign to our knowledge; Not observed at significant frequency in large population cohorts (gnomAD); In silico analysis supports that this missense variant has a deleterious effect on protein structure/function; This substitution is predicted to be within the transmembrane segment S1 of the second homologous domain; This variant is associated with the following publications: (PMID: 31589614, 32595013)

CeGaT Center for Human Genetics Tuebingen
Classification: Uncertain significance. Last evaluated: 2019-12-01. Review status: criteria provided, single submitter. Criteria: CeGaT Center For Human Genetics Tuebingen Variant Classification Criteria Version 2. Collection method: clinical testing. Allele origin: germline. Affected: yes. Observed: 1 variant allele.